The following is an entry in ClinVar:

NM_020693.4(DSCAML1):c.4514A>G (p.Asn1505Ser)

Gene: DSCAML1 (DS cell adhesion molecule like 1; minus strand). Cytogenetic location: 11q23.3.
Variant type: single nucleotide variant.
Coding change: c.4514A>G on transcript NM_020693.4 (MANE Select); coding-DNA position 4514, A replaced by G.
Protein change: p.Asn1505Ser; replaces asparagine 1505 with serine.
Molecular consequence: missense variant.
Genome position (GRCh38, 1-based): chr11:117,437,328, T>C on the plus strand (A>G on the coding strand, the complement: DSCAML1 is on the minus strand). VCF-style: chr11-117437328-T-C. GRCh37 (hg19) VCF-style: chr11-117308044-T-C.
Other names: short protein forms N1505S.
Identifiers: ClinVar variation 2063831 (VCV002063831.4), dbSNP rs141765472, ClinGen allele CA6296349.

ClinVar aggregate classification (germline): Uncertain significance (1 of 4 stars; one submission).

Allele frequency attached by ClinVar (database versions not stated): TOPMed 0.00005; 1000 Genomes Project 30x 0.00031; gnomAD exomes 0.00005; ExAC 0.00008; 1000 Genomes Project 0.00020; gnomAD 0.00006.
gnomAD v4.1: 80 of 1,614,220 alleles (0.005%); highest among the groups gnomAD compares: Admixed American, 0.018%; no homozygotes.

Submission:

Labcorp Genetics (formerly Invitae), Labcorp
Classification: Uncertain significance. Last evaluated: 2022-10-26. Review status: criteria provided, single submitter. Criteria: Invitae Variant Classification Sherloc (09022015). Collection method: clinical testing. Allele origin: germline.
Comment: This variant has not been reported in the literature in individuals affected with DSCAML1-related conditions. This sequence change replaces asparagine, which is neutral and polar, with serine, which is neutral and polar, at codon 1565 of the DSCAML1 protein (p.Asn1565Ser). This variant is present in population databases (rs141765472, gnomAD 0.03%). Algorithms developed to predict the effect of missense changes on protein structure and function (SIFT, PolyPhen-2, Align-GVGD) all suggest that this variant is likely to be tolerated. In summary, the available evidence is currently insufficient to determine the role of this variant in disease. Therefore, it has been classified as a Variant of Uncertain Significance.